The following is an entry in ClinVar:

NM_000138.5(FBN1):c.4337-7C>T

Gene: FBN1 (fibrillin 1; minus strand). Cytogenetic location: 15q21.1.
Variant type: single nucleotide variant.
Coding change: c.4337-7C>T on transcript NM_000138.5 (MANE Select); 7 bases into the intron before coding-DNA position 4337, C replaced by T.
Molecular consequence: intron variant.
Genome position (GRCh38, 1-based): chr15:48,470,763, G>A on the plus strand (C>T on the coding strand, the complement: FBN1 is on the minus strand). VCF-style: chr15-48470763-G-A. GRCh37 (hg19) VCF-style: chr15-48762960-G-A.
Identifiers: ClinVar variation 920226 (VCV000920226.4), dbSNP rs2043367095, ClinGen allele CA1139663951.
Genomic context (GRCh38, chr15:48,470,763, plus strand): 5'-GGTTGTGGCAAGTTCCAAAGACACAGATGTTCGGAAGGGAGCACTCATCAATATCTTGGG[G>A]GGAGGGAGAAAAAAGCAAAAAACTTAACTTATATTTTTCTAAAAAAAACCTGCCAAATAT-3'

ClinVar aggregate classification (germline): Likely benign. Review status: criteria provided, multiple submitters, no conflicts (2 of 4 stars). 3 submissions from 3 submitters: Likely benign (3). Last evaluated 2025-02-27.

Conditions:
Familial thoracic aortic aneurysm and aortic dissection (TAAD). Also called: Thoracic aortic aneurysms and dissections. Identifiers: Orphanet 91387, MedGen C4707243, MONDO:0019625.
Marfan syndrome (MFS). Also called: Marfan syndrome, classic; Marfan syndrome type 1; Marfan's syndrome; FBN1-Related Marfan Syndrome; MARFAN SYNDROME, TYPE I. Identifiers: Orphanet 284963, Orphanet 558, MedGen C0024796, MONDO:0007947, OMIM 154700.

Allele frequency attached by ClinVar (database versions not stated): gnomAD exomes 0.00001.
gnomAD v4.1: 8 of 1,613,904 alleles (0.0005%); highest among the groups gnomAD compares: Non-Finnish European, 0.00068%; no homozygotes.

Submissions (3):

Labcorp Genetics (formerly Invitae), Labcorp
Classification: Likely benign for Marfan syndrome; Familial thoracic aortic aneurysm and aortic dissection. Last evaluated: 2025-02-27. Review status: criteria provided, single submitter. Criteria: Invitae Variant Classification Sherloc (09022015). Collection method: clinical testing. Allele origin: germline.

All of Us Research Program, National Institutes of Health
Classification: Likely benign for Marfan syndrome. Last evaluated: 2023-07-22. Review status: criteria provided, single submitter. Criteria: ACMG Guidelines, 2015. Collection method: clinical testing. Allele origin: germline. Inheritance: Autosomal dominant inheritance. Observed: 1 variant allele, 1 heterozygote.
Comment: This study involves interpretation of variants in research participants for the purpose of population health screening. Participant phenotype was not available at the time of variant classification. Additional details can be found in publication PMID: 35346344, PMCID: PMC8962531

Color Diagnostics, LLC DBA Color Health
Classification: Likely benign for Familial thoracic aortic aneurysm and aortic dissection. Last evaluated: 2019-11-24. Review status: criteria provided, single submitter. Criteria: ACMG Guidelines, 2015. Collection method: clinical testing. Allele origin: germline.